The following is an entry in ClinVar:

ClinVar aggregate classification (germline): Pathogenic (1 of 4 stars; one submission).

Submission:

GeneDx
Classification: Pathogenic. Last evaluated: 2018-08-07. Review status: criteria provided, single submitter. Criteria: GeneDx Variant Classification (06012015). Collection method: clinical testing. Allele origin: germline. Affected: yes.
Comment: The c.4493_4494insL1 variant in the ATM gene has not been reported previously as a pathogenic variant nor as a benign variant, to our knowledge. Mobile insertion elements, including retrotransposon-mediated events such as L1 elements, are estimated to account for 1 in 600 disease causing variants (Kazazian, 1999). We interpret c.4493_4494insL1 as a pathogenic variant.

NM_000051.3(ATM):c.4493_4494insLINE1

Gene: ATM (ATM serine/threonine kinase; plus strand). Cytogenetic location: 11q22.3.
Variant type: Insertion.
Coding change: c.4493_4494insLINE1 on transcript NM_000051.3; coding-DNA positions 4493 to 4494, an insertion.
Other names: NM_000051.3:c.4493_4494insL1.
Identifiers: ClinVar variation 804206 (VCV000804206.1).